The following is an entry in ClinVar:

NM_004958.4(MTOR):c.1249A>G (p.Met417Val)

Gene: MTOR (mechanistic target of rapamycin kinase; minus strand). Cytogenetic location: 1p36.22.
Variant type: single nucleotide variant.
Coding change: c.1249A>G on transcript NM_004958.4 (MANE Select); coding-DNA position 1249, A replaced by G.
Protein change: p.Met417Val; replaces methionine 417 with valine.
Molecular consequence: missense variant. On other transcripts: initiator codon variant (1).
Genome position (GRCh38, 1-based): chr1:11,243,277, T>C on the plus strand (A>G on the coding strand, the complement: MTOR is on the minus strand). VCF-style: chr1-11243277-T-C. GRCh37 (hg19) VCF-style: chr1-11303334-T-C.
Other names: NM_004958.3:c.1249A>G; NM_004958.4(MTOR):c.1249A>G; p.Met417Val; c.1249A>G, p.Met417Val (NM_001386500.1); c.1A>G, p.Met1Val (NM_001386501.1); short protein forms M1V, M417V.
Identifiers: ClinVar variation 1296996 (VCV001296996.10), dbSNP rs778680709, ClinGen allele CA590769.

ClinVar aggregate classification (germline): Uncertain significance. Review status: reviewed by expert panel (3 of 4 stars). 2 submissions from 2 submitters: Uncertain significance (1). 1 of the submissions does not count toward it. Last evaluated 2025-06-06.

Conditions:
Overgrowth syndrome and/or cerebral malformations due to abnormalities in MTOR pathway genes. Identifiers: MedGen CN300503, MONDO:0100283.

Allele frequency attached by ClinVar (database versions not stated): gnomAD exomes below 0.00001 and 0.00002; ExAC 0.00001.
gnomAD v4.1: 28 of 1,614,194 alleles (0.0017%); highest among the groups gnomAD compares: Non-Finnish European, 0.0023%; no homozygotes.

Submissions (2):

ClinGen Brain Malformations Variant Curation Expert Panel
Classification: Uncertain significance for Overgrowth syndrome and/or cerebral malformations due to abnormalities in MTOR pathway genes. Last evaluated: 2025-06-06. Review status: reviewed by expert panel. Criteria: ClinGen BrainMalform ACMG Specifications V1.1.0. Collection method: curation. Allele origin: germline. Inheritance: Autosomal dominant inheritance.
Comment: The NM_004958.4:c.1249A>G variant in the MTOR gene is a missense variant predicted to cause substitution of methionine by valine at amino acid 417. In gnomAD v4.1.0, this variant has a filtering allele frequency of 0.001567% in the European (non-Finnish) population and a minor allele frequency of 0.002288% (27/1180014), also in the European (non-Finnish) population (PM2_Supporting, BS1, and BS1_Supporting not met). MTOR, in which the variant was identified, is defined by the ClinGen Brain Malformations Variant Curation Expert Panel (BM VCEP) as a gene that has a low rate of benign missense variation and where pathogenic missense variants are a common mechanism of disease (PP2). In summary, this variant meets the criteria to be classified as uncertain significance for overgrowth syndrome and/or cerebral malformations due to abnormalities in MTOR pathway genes based on the ACMG/AMP criteria applied, as specified by the ClinGen BM VCEP: PP2 (ClinGen Brain Malformations VCEP Specifications Version 1.1).

Labcorp Genetics (formerly Invitae), Labcorp
Classification: Uncertain significance. Last evaluated: 2022-10-19. Review status: criteria provided, single submitter. Criteria: Invitae Variant Classification Sherloc (09022015). Collection method: clinical testing. Allele origin: germline. Not counted in ClinVar's aggregate classification.
Comment: This sequence change replaces methionine, which is neutral and non-polar, with valine, which is neutral and non-polar, at codon 417 of the MTOR protein (p.Met417Val). This variant is present in population databases (rs778680709, gnomAD 0.0009%). This variant has not been reported in the literature in individuals affected with MTOR-related conditions. ClinVar contains an entry for this variant (Variation ID: 1296996). Advanced modeling of protein sequence and biophysical properties (such as structural, functional, and spatial information, amino acid conservation, physicochemical variation, residue mobility, and thermodynamic stability) performed at Invitae indicates that this missense variant is not expected to disrupt MTOR protein function. In summary, the available evidence is currently insufficient to determine the role of this variant in disease. Therefore, it has been classified as a Variant of Uncertain Significance.